The following is an entry in ClinVar:

NM_000112.4(SLC26A2):c.2021A>G (p.Tyr674Cys)

Gene: SLC26A2 (solute carrier family 26 member 2; plus strand). Cytogenetic location: 5q32.
Variant type: single nucleotide variant.
Coding change: c.2021A>G on transcript NM_000112.4 (MANE Select); coding-DNA position 2021, A replaced by G.
Protein change: p.Tyr674Cys; replaces tyrosine 674 with cysteine.
Molecular consequence: missense variant.
Genome position (GRCh38, 1-based): chr5:149,981,614, A>G. VCF-style: chr5-149981614-A-G. GRCh37 (hg19) VCF-style: chr5-149361177-A-G.
Other names: short protein forms Y674C.
Identifiers: ClinVar variation 352030 (VCV000352030.11), dbSNP rs772655429, ClinGen allele CA3505535.

ClinVar aggregate classification (germline): Uncertain significance. Review status: criteria provided, multiple submitters, no conflicts (2 of 4 stars). 7 submissions from 3 submitters: Uncertain significance (7). Last evaluated 2022-03-11.

Conditions:
Inborn genetic diseases. Identifiers: MedGen C0950123, MeSH D030342.
Multiple epiphyseal dysplasia type 4 (EDM4). Also called: MULTIPLE EPIPHYSEAL DYSPLASIA WITH BILAYERED PATELLAE; MULTIPLE EPIPHYSEAL DYSPLASIA WITH CLUBFOOT; MULTIPLE EPIPHYSEAL DYSPLASIA, AUTOSOMAL RECESSIVE; SLC26A2-Related Multiple Epiphyseal Dysplasia; Multiple Epiphyseal Dysplasia, Recessive. Identifiers: Orphanet 93307, MedGen C1847593, MONDO:0009189, OMIM 226900.
Achondrogenesis, type IB (ACG1B). Also called: Achondrogenesis Type 1B. Identifiers: Orphanet 932, Orphanet 93298, MedGen C0265274, MONDO:0010966, OMIM 600972.
Atelosteogenesis type II (AO2). Also called: NEONATAL OSSEOUS DYSPLASIA I; Neonatal osseous dysplasia 1; SLC26A2-Related Atelosteogenesis. Identifiers: Orphanet 56304, MedGen C1850554, MONDO:0009727, OMIM 256050.
Diastrophic dysplasia (DTD). Also called: Diastrophic dwarfism. Identifiers: Orphanet 628, MedGen C0220726, MONDO:0009107, OMIM 222600.
Sulfate transporter-related osteochondrodysplasia. Also called: DTDST-related dysplasias. Identifiers: MedGen CN120497. Disease mechanism: loss of function.

Allele frequency attached by ClinVar (database versions not stated): gnomAD exomes below 0.00001 and 0.00001; TOPMed below 0.00001; ExAC 0.00001.

Submissions (7):

Labcorp Genetics (formerly Invitae), Labcorp
Classification: Uncertain significance for Atelosteogenesis type II; Multiple epiphyseal dysplasia type 4; Achondrogenesis, type IB; Diastrophic dysplasia. Last evaluated: 2022-03-11. Review status: criteria provided, single submitter. Criteria: Invitae Variant Classification Sherloc (09022015). Collection method: clinical testing. Allele origin: germline.
Comment: This sequence change replaces tyrosine, which is neutral and polar, with cysteine, which is neutral and slightly polar, at codon 674 of the SLC26A2 protein (p.Tyr674Cys). This variant is present in population databases (rs772655429, gnomAD 0.0009%). This variant has not been reported in the literature in individuals affected with SLC26A2-related conditions. ClinVar contains an entry for this variant (Variation ID: 352030). Algorithms developed to predict the effect of missense changes on protein structure and function (SIFT, PolyPhen-2, Align-GVGD) all suggest that this variant is likely to be disruptive. In summary, the available evidence is currently insufficient to determine the role of this variant in disease. Therefore, it has been classified as a Variant of Uncertain Significance.

Ambry Genetics
Classification: Uncertain significance for Inborn genetic diseases. Last evaluated: 2021-10-29. Review status: criteria provided, single submitter. Criteria: Ambry Variant Classification Scheme 2023. Collection method: clinical testing. Allele origin: germline.

Illumina Laboratory Services, Illumina
Classification: Uncertain significance for Diastrophic dysplasia. Last evaluated: 2018-01-13. Review status: criteria provided, single submitter. Criteria: ICSL Variant Classification Criteria 13 December 2019. Collection method: clinical testing. Allele origin: germline.

Illumina Laboratory Services, Illumina
Classification: Uncertain significance for Multiple epiphyseal dysplasia type 4. Last evaluated: 2018-01-13. Review status: criteria provided, single submitter. Criteria: ICSL Variant Classification Criteria 13 December 2019. Collection method: clinical testing. Allele origin: germline.

Illumina Laboratory Services, Illumina
Classification: Uncertain significance for Atelosteogenesis type II. Last evaluated: 2018-01-13. Review status: criteria provided, single submitter. Criteria: ICSL Variant Classification Criteria 13 December 2019. Collection method: clinical testing. Allele origin: germline.

Illumina Laboratory Services, Illumina
Classification: Uncertain significance for Osteochondrodysplasia. Last evaluated: 2018-01-13. Review status: criteria provided, single submitter. Criteria: ICSL Variant Classification Criteria 13 December 2019. Collection method: clinical testing. Allele origin: germline.

Illumina Laboratory Services, Illumina
Classification: Uncertain significance for Achondrogenesis, type IB. Last evaluated: 2018-01-13. Review status: criteria provided, single submitter. Criteria: ICSL Variant Classification Criteria 13 December 2019. Collection method: clinical testing. Allele origin: germline.